The following is an entry in ClinVar:

ClinVar aggregate classification (germline): Uncertain significance. Review status: criteria provided, multiple submitters, no conflicts (2 of 4 stars). 4 submissions from 4 submitters: Uncertain significance (4). Last evaluated 2025-01-30.

Conditions:
Hereditary nonpolyposis colorectal neoplasms. Identifiers: MedGen C0009405, MeSH D003123.
Hereditary cancer-predisposing syndrome. Also called: Tumor predisposition; Neoplastic Syndromes, Hereditary; Hereditary Cancer Syndrome; Hereditary neoplastic syndrome. Identifiers: Orphanet 140162, MedGen C0027672, MeSH D009386, MONDO:0015356.

gnomAD v4.1: 4 of 1,614,174 alleles (0.00025%); highest among the groups gnomAD compares: East Asian, 0.0022%; no homozygotes.

Submissions (4):

Labcorp Genetics (formerly Invitae), Labcorp
Classification: Uncertain significance for Hereditary nonpolyposis colorectal neoplasms. Last evaluated: 2025-01-30. Review status: criteria provided, single submitter. Criteria: Invitae Variant Classification Sherloc (09022015). Collection method: clinical testing. Allele origin: germline.
Comment: This sequence change replaces serine, which is neutral and polar, with phenylalanine, which is neutral and non-polar, at codon 722 of the MSH6 protein (p.Ser722Phe). This variant is not present in population databases (gnomAD no frequency). This variant has not been reported in the literature in individuals affected with MSH6-related conditions. ClinVar contains an entry for this variant (Variation ID: 644934). Invitae Evidence Modeling of protein sequence and biophysical properties (such as structural, functional, and spatial information, amino acid conservation, physicochemical variation, residue mobility, and thermodynamic stability) indicates that this missense variant is not expected to disrupt MSH6 protein function with a negative predictive value of 95%. In summary, the available evidence is currently insufficient to determine the role of this variant in disease. Therefore, it has been classified as a Variant of Uncertain Significance.

Blueprint Genetics
Classification: Uncertain significance. Last evaluated: 2024-11-12. Review status: criteria provided, single submitter. Criteria: ACMG Guidelines, 2015. Collection method: clinical testing. Allele origin: germline.

Ambry Genetics
Classification: Uncertain significance for Hereditary cancer-predisposing syndrome. Last evaluated: 2024-02-14. Review status: criteria provided, single submitter. Criteria: Ambry Variant Classification Scheme 2023. Collection method: clinical testing. Allele origin: germline.
Comment: The p.S722F variant (also known as c.2165C>T), located in coding exon 4 of the MSH6 gene, results from a C to T substitution at nucleotide position 2165. The serine at codon 722 is replaced by phenylalanine, an amino acid with highly dissimilar properties. This amino acid position is poorly conserved in available vertebrate species. In addition, the in silico prediction for this alteration is inconclusive. Based on the available evidence, the clinical significance of this alteration remains unclear.

GeneDx
Classification: Uncertain significance. Last evaluated: 2021-08-18. Review status: criteria provided, single submitter. Criteria: GeneDx Variant Classification Process June 2021. Collection method: clinical testing. Allele origin: germline. Affected: yes.
Comment: Not observed in large population cohorts (Lek 2016); In silico analysis, which includes protein predictors and evolutionary conservation, supports that this variant does not alter protein structure/function; Has not been previously published as pathogenic or benign to our knowledge; This variant is associated with the following publications: (PMID: 21120944, 17531815)

NM_000179.3(MSH6):c.2165C>T (p.Ser722Phe)

Gene: MSH6 (mutS homolog 6; plus strand). Cytogenetic location: 2p16.3.
Variant type: single nucleotide variant.
Coding change: c.2165C>T on transcript NM_000179.3 (MANE Select); coding-DNA position 2165, C replaced by T.
Protein change: p.Ser722Phe; replaces serine 722 with phenylalanine.
Molecular consequence: missense variant.
Genome position (GRCh38, 1-based): chr2:47,800,148, C>T. VCF-style: chr2-47800148-C-T. GRCh37 (hg19) VCF-style: chr2-48027287-C-T.
Other names: c.1775C>T, p.Ser592Phe (NM_001281492.2); c.1259C>T, p.Ser420Phe (NM_001281493.2, NM_001281494.2); short protein forms S592F, S420F, S722F.
Identifiers: ClinVar variation 644934 (VCV000644934.15), dbSNP rs776198410, ClinGen allele CA346751159.
Genomic context (GRCh38, chr2:47,800,148, plus strand): 5'-CAATGGCTAATTTTGAAGAATATATTCCCTTGGATTCTGACACAGTCAGCACTACAAGAT[C>T]TGGTGCTATCTTCACCAAAGCCTATCAACGAATGGTGCTAGATGCAGTGACATTAAACAA-3'
Protein context (NP_000170.1, residues 712-732): LDSDTVSTTR[Ser722Phe]GAIFTKAYQR